The following is an entry in ClinVar:

NM_001281775.3(ZMYND8):c.1852A>G (p.Ser618Gly)

Gene: ZMYND8 (zinc finger MYND-type containing 8; minus strand). Cytogenetic location: 20q13.12.
Variant type: single nucleotide variant.
Coding change: c.1852A>G on transcript NM_001281775.3 (MANE Select); coding-DNA position 1852, A replaced by G.
Protein change: p.Ser618Gly; replaces serine 618 with glycine.
Molecular consequence: missense variant.
Genome position (GRCh38, 1-based): chr20:47,246,440, T>C on the plus strand (A>G on the coding strand, the complement: ZMYND8 is on the minus strand). VCF-style: chr20-47246440-T-C. GRCh37 (hg19) VCF-style: chr20-45875184-T-C.
Other names: c.1777A>G, p.Ser593Gly (NM_001281771.3, NM_001281777.3, NM_001281778.3 and 2 more transcripts); c.1792A>G, p.Ser598Gly (NM_001281772.3, NM_001281773.3, NM_001281774.3 and 1 more transcripts); c.1852A>G, p.Ser618Gly (NM_001281776.3, NM_001281783.3, NM_012408.6 and 1 more transcripts); c.1048A>G, p.Ser350Gly (NM_001281779.3, NM_001281780.3); c.1636A>G, p.Ser546Gly (NM_001281781.3, NM_001281784.3); c.1873A>G, p.Ser625Gly (NM_001363714.1); short protein forms S598G, S618G, S546G, S593G, S350G, S625G.
Identifiers: ClinVar variation 4999664 (VCV004999664.1).

ClinVar aggregate classification (germline): Uncertain significance (1 of 4 stars; one submission).

Conditions:
ZMYND8-related disorder. Also called: ZMYND8-related condition.

Submission:

PreventionGenetics, part of Exact Sciences
Classification: Uncertain significance for ZMYND8-related condition. Last evaluated: 2025-07-24. Review status: criteria provided, single submitter. Criteria: ACMG Guidelines, 2015. Collection method: clinical testing. Allele origin: germline.
Comment: The ZMYND8 c.1873A>G variant is predicted to result in the amino acid substitution p.Ser625Gly. To our knowledge, this variant has not been reported in the literature or in a large population database (gnomAD), indicating this variant is rare. At this time, the clinical significance of this variant is uncertain due to the absence of conclusive functional and genetic evidence.